The following is an entry in ClinVar:

ClinVar aggregate classification (germline): Uncertain significance (1 of 4 stars; one submission).

Conditions:
Heterotopia, periventricular, X-linked dominant (PVNH1). Also called: PERIVENTRICULAR NODULAR HETEROTOPIA 4; HETEROTOPIA, PERIVENTRICULAR, 1; PERIVENTRICULAR NODULAR HETEROTOPIA 1; X-linked periventricular heterotopia. Identifiers: Orphanet 2149, Orphanet 82004, MedGen C1848213, MONDO:0010233, OMIM 300049.
Oto-palato-digital syndrome, type II (OPD2). Also called: Otopalatodigital Syndrome, Type II; FACIOPALATOOSSEOUS SYNDROME; OPD II SYNDROME; Otopalatodigital Syndrome Type 2 (FLNA-OPD2). Identifiers: Orphanet 669, Orphanet 90652, MedGen C1844696, MONDO:0010571, OMIM 304120.
Melnick-Needles syndrome (MNS). Also called: MELNICK-NEEDLES OSTEODYSPLASTY; OSTEODYSPLASTY OF MELNICK AND NEEDLES; Melnick-Needles Syndrome (FLNA-MNS). Identifiers: Orphanet 2484, MedGen C0025237, MONDO:0010650, OMIM 309350.
Frontometaphyseal dysplasia (FMD1). Identifiers: Orphanet 1826, MedGen C0265293, MONDO:0015942.

Submission:

Labcorp Genetics (formerly Invitae), Labcorp
Classification: Uncertain significance for Oto-palato-digital syndrome, type II; Heterotopia, periventricular, X-linked dominant; Frontometaphyseal dysplasia; Melnick-Needles syndrome. Last evaluated: 2025-10-23. Review status: criteria provided, single submitter. Criteria: Invitae Variant Classification Sherloc (09022015). Collection method: clinical testing. Allele origin: germline.
Comment: This sequence change replaces glutamic acid, which is acidic and polar, with aspartic acid, which is acidic and polar, at codon 1696 of the FLNA protein (p.Glu1696Asp). This variant is not present in population databases (gnomAD no frequency). This variant has not been reported in the literature in individuals affected with FLNA-related conditions. Invitae Evidence Modeling of protein sequence and biophysical properties (such as structural, functional, and spatial information, amino acid conservation, physicochemical variation, residue mobility, and thermodynamic stability) indicates that this missense variant is not expected to disrupt FLNA protein function with a negative predictive value of 95%. In summary, the available evidence is currently insufficient to determine the role of this variant in disease. Therefore, it has been classified as a Variant of Uncertain Significance.

NM_001110556.2(FLNA):c.5112G>T (p.Glu1704Asp)

Gene: FLNA (filamin A; minus strand). Cytogenetic location: Xq28.
Variant type: single nucleotide variant.
Coding change: c.5112G>T on transcript NM_001110556.2 (MANE Select); coding-DNA position 5112, G replaced by T.
Protein change: p.Glu1704Asp; replaces glutamic acid 1704 with aspartic acid.
Molecular consequence: missense variant.
Genome position (GRCh38, 1-based): chrX:154,354,930, C>A on the plus strand (G>T on the coding strand, the complement: FLNA is on the minus strand). VCF-style: chrX-154354930-C-A. GRCh37 (hg19) VCF-style: chrX-153583298-C-A.
Other names: c.5088G>T, p.Glu1696Asp (NM_001456.4); short protein forms E1696D, E1704D.
Identifiers: ClinVar variation 4789581 (VCV004789581.1).